The following is an entry in ClinVar:

ClinVar aggregate classification (germline): Conflicting classifications of pathogenicity. Review status: criteria provided, conflicting classifications (1 of 4 stars). 19 submissions from 19 submitters: Uncertain significance (2); Benign (3); Likely benign (7). 7 of the submissions do not count toward it. Last evaluated 2026-02-03.

Conditions:
VCL-related disorder. Also called: VCL-related condition.
Cardiovascular phenotype. Identifiers: MedGen CN230736.
Dilated cardiomyopathy 1W (CMD1W). Identifiers: Orphanet 154, MedGen C1969639, MONDO:0012667, OMIM 611407.
Primary dilated cardiomyopathy (DCM). Also called: Dilated Cardiomyopathy. Identifiers: Orphanet 217604, MedGen C0007193, MeSH D002311, MONDO:0005021, HP:0001644. Inheritance: Various modes of inheritance.
Hypertrophic cardiomyopathy. Also called: HYPERTROPHIC MYOCARDIOPATHY. Identifiers: Orphanet 217569, MedGen C0007194, MeSH D002312, MONDO:0005045, HP:0001639.

Allele frequency attached by ClinVar (database versions not stated): 1000 Genomes Project 0.00040; 1000 Genomes Project 30x 0.00047; ESP Exome Variant Server 0.00092; gnomAD exomes 0.00144 and 0.00145; gnomAD 0.00145 and 0.00240; ExAC 0.00149; TOPMed 0.00206.
gnomAD v4.1: 2,439 of 1,614,078 alleles (0.15%); highest among the groups gnomAD compares: Non-Finnish European, 0.14%; 18 homozygotes.

Submissions (19):

Labcorp Genetics (formerly Invitae), Labcorp
Classification: Benign for Dilated cardiomyopathy 1W. Last evaluated: 2026-02-03. Review status: criteria provided, single submitter. Criteria: Invitae Variant Classification Sherloc (09022015). Collection method: clinical testing. Allele origin: germline.

CeGaT Center for Human Genetics Tuebingen
Classification: Benign. Last evaluated: 2025-05-01. Review status: criteria provided, single submitter. Criteria: CeGaT Center For Human Genetics Tuebingen Variant Classification Criteria Version 2. Collection method: clinical testing. Allele origin: germline. Affected: yes. Observed: 2 variant alleles.
Comment: VCL: BS1, BS2

Molecular Diagnostic Laboratory for Inherited Cardiovascular Disease, Montreal Heart Institute
Classification: Likely benign. Last evaluated: 2025-04-09. Review status: criteria provided, single submitter. Criteria: ACMG Guidelines, 2015. Collection method: clinical testing. Allele origin: germline. Affected: no.
Comment: BS1;BP6

Mayo Clinic Laboratories, Mayo Clinic
Classification: Likely benign. Last evaluated: 2025-01-03. Review status: criteria provided, single submitter. Criteria: ACMG Guidelines, 2015. Collection method: clinical testing. Allele origin: germline. Observed: 2 variant alleles.
Comment: BS1

Blueprint Genetics
Classification: Likely benign. Last evaluated: 2024-11-22. Review status: criteria provided, single submitter. Criteria: ACMG Guidelines, 2015. Collection method: clinical testing. Allele origin: germline.

GeneDx
Classification: Likely benign. Last evaluated: 2020-11-04. Review status: criteria provided, single submitter. Criteria: GeneDx Variant Classification Process June 2021. Collection method: clinical testing. Allele origin: germline. Affected: yes.
Comment: This variant is associated with the following publications: (PMID: 23861362, 25016126, 25351510, 26656175, 23396983, 24503780, 20474083, 27930701)

Women's Health and Genetics/Laboratory Corporation of America, LabCorp
Classification: Benign. Last evaluated: 2020-01-06. Review status: criteria provided, single submitter. Criteria: LabCorp Variant Classification Summary - May 2015. Collection method: clinical testing. Allele origin: germline.
Comment: Variant summary: VCL c.1907A>G (p.His636Arg) results in a non-conservative amino acid change in the encoded protein sequence. Three of five in-silico tools predict a damaging effect of the variant on protein function. The variant allele was found at a frequency of 0.0014 in 252006 control chromosomes in the gnomAD database, including 1 homozygotes. The observed variant frequency is approximately 31 fold of the estimated maximal expected allele frequency for a pathogenic variant in VCL causing Dilated Cardiomyopathy phenotype (4.7e-05), strongly suggesting that the variant is benign. c.1907A>G has been reported in the literature in individuals affected with Dilated Cardiomyopathy (Zimmerman_2010). This report does not provide unequivocal conclusions about association of the variant with Dilated Cardiomyopathy. At least one co-occurrence with a pathogenic variant has been reported (MYBPC3 c.1090+1G>A, LOVD database citing Lopes_2013), providing supporting evidence for a benign role.Four clinical diagnostic laboratories have submitted clinical-significance assessments for this variant to ClinVar after 2014 without evidence for independent evaluation (1x benign, 2x likely benign, 1x VUS). Based on the evidence outlined above, the variant was classified as benign.

Ambry Genetics
Classification: Likely benign for Cardiovascular phenotype. Last evaluated: 2019-04-12. Review status: criteria provided, single submitter. Criteria: Ambry Variant Classification Scheme 2023. Collection method: clinical testing. Allele origin: germline.

Illumina Laboratory Services, Illumina
Classification: Uncertain significance for Dilated cardiomyopathy 1W. Last evaluated: 2017-04-27. Review status: criteria provided, single submitter. Criteria: ICSL Variant Classification Criteria 13 December 2019. Collection method: clinical testing. Allele origin: germline.
Comment: This variant was observed as part of a predisposition screen in an ostensibly healthy population. A literature search was performed for the gene, cDNA change, and amino acid change (where applicable). Publications were found based on this search. However, the evidence from the literature, in combination with allele frequency data from public databases where available, was not sufficient to rule this variant in or out of causing disease. Therefore, this variant is classified as a variant of unknown significance.

Laboratory for Molecular Medicine, Mass General Brigham Personalized Medicine
Classification: Likely benign. Last evaluated: 2016-01-22. Review status: criteria provided, single submitter. Criteria: LMM Criteria. Collection method: clinical testing. Allele origin: germline. Observed: 4 variant alleles.
Comment: p.His636Arg in exon 14 of VCL: This variant is not expected to have clinical sig nificance because it has been identified in 0.67% (44/6604) of Finnish chromosom es by the Exome Aggregation Consortium (ExAC; db SNP rs71579374).

Biesecker Lab/Clinical Genomics Section, National Institutes of Health
Classification: Likely benign. Last evaluated: 2013-06-24. Review status: criteria provided, single submitter. Criteria: Ng et al. (Circ Cardiovasc Genet. 2013). Collection method: research. Allele origin: unknown. Observed: 2 variant alleles. Study: ClinSeq.
Comment: The study set was not selected for affection status in relation to any cancer. Pathogenicity categories were based on literature curation. See Pubmed ID:23861362 for details.

Medical sequencing

Genetics and Genomics Program, Sidra Medicine
Classification: Uncertain significance for Primary dilated cardiomyopathy. Review status: criteria provided, single submitter. Criteria: ACMG Guidelines, 2015. Collection method: research. Allele origin: unknown. Affected: yes. Observed: 1 variant allele.

PreventionGenetics, part of Exact Sciences
Classification: Likely benign for VCL-related condition. Last evaluated: 2019-10-29. Review status: no assertion criteria provided. Collection method: clinical testing. Allele origin: germline. Not counted in ClinVar's aggregate classification.
Comment: This variant is classified as likely benign based on ACMG/AMP sequence variant interpretation guidelines (Richards et al. 2015 PMID: 25741868, with internal and published modifications).

Clinical Genetics DNA and cytogenetics Diagnostics Lab, Erasmus MC, Erasmus Medical Center
Classification: Likely benign. Review status: no assertion criteria provided. Collection method: clinical testing. Allele origin: germline. Affected: yes. Study: VKGL Data-share Consensus. Not counted in ClinVar's aggregate classification.

Clinical Genetics, Academic Medical Center
Classification: Benign. Review status: no assertion criteria provided. Collection method: clinical testing. Allele origin: germline. Affected: yes. Study: VKGL Data-share Consensus. Not counted in ClinVar's aggregate classification.

Diagnostic Laboratory, Department of Genetics, University Medical Center Groningen
Classification: Likely benign. Review status: no assertion criteria provided. Collection method: clinical testing. Allele origin: germline. Affected: yes. Study: VKGL Data-share Consensus. Not counted in ClinVar's aggregate classification.

Genome Diagnostics Laboratory, University Medical Center Utrecht
Classification: Likely benign. Review status: no assertion criteria provided. Collection method: clinical testing. Allele origin: germline. Affected: yes. Study: VKGL Data-share Consensus. Not counted in ClinVar's aggregate classification.

Joint Genome Diagnostic Labs from Nijmegen and Maastricht, Radboudumc and MUMC+
Classification: Likely benign. Review status: no assertion criteria provided. Collection method: clinical testing. Allele origin: germline. Affected: yes. Study: VKGL Data-share Consensus. Not counted in ClinVar's aggregate classification.

Zaffran Lab, Genetics of Cardiac Diseases Laboratory, Marseille Medical Genetics
Classification: Uncertain significance for hypertrophic cardiomyopathy. Review status: no assertion criteria provided. Collection method: research. Allele origin: unknown. Affected: yes. Not counted in ClinVar's aggregate classification.

Literature cited by the submitters: PubMed 20474083 (cited by 5 submitters); PubMed 23396983 (cited by Mayo Clinic Laboratories, Mayo Clinic and Laboratory for Molecular Medicine, Mass General Brigham Personalized Medicine); PubMed 23861362 (cited by Mayo Clinic Laboratories, Mayo Clinic and Ambry Genetics); PubMed 24503780 (cited by Mayo Clinic Laboratories, Mayo Clinic and Ambry Genetics); PubMed 25016126 (cited by Mayo Clinic Laboratories, Mayo Clinic); PubMed 25351510 (cited by Mayo Clinic Laboratories, Mayo Clinic and Ambry Genetics); PubMed 26656175 (cited by Mayo Clinic Laboratories, Mayo Clinic and Ambry Genetics); PubMed 27662471 (cited by Mayo Clinic Laboratories, Mayo Clinic); PubMed 27930701 (cited by Mayo Clinic Laboratories, Mayo Clinic); PubMed 28771489 (cited by Mayo Clinic Laboratories, Mayo Clinic); PubMed 29420653 (cited by Mayo Clinic Laboratories, Mayo Clinic); PubMed 34426522 (cited by Mayo Clinic Laboratories, Mayo Clinic); PubMed 39554508 (cited by Mayo Clinic Laboratories, Mayo Clinic).

NM_014000.3(VCL):c.1907A>G (p.His636Arg)

Gene: VCL (vinculin; plus strand). Cytogenetic location: 10q22.2.
Variant type: single nucleotide variant.
Coding change: c.1907A>G on transcript NM_014000.3 (MANE Select); coding-DNA position 1907, A replaced by G.
Protein change: p.His636Arg; replaces histidine 636 with arginine.
Molecular consequence: missense variant.
Genome position (GRCh38, 1-based): chr10:74,100,982, A>G. VCF-style: chr10-74100982-A-G. GRCh37 (hg19) VCF-style: chr10-75860740-A-G.
Other names: p.H636R:CAT>CGT; c.1907A>G, p.His636Arg (NM_003373.4); short protein forms H636R.
Identifiers: ClinVar variation 45594 (VCV000045594.74), dbSNP rs71579374, ClinGen allele CA136736.
Genomic context (GRCh38, chr10:74,100,982, plus strand): 5'-TTCTTAATATCTGTTTTTTCCTCAAGGTATTTGATGAGAGGGCAGCTAACTTTGAAAACC[A>G]TTCAGGAAAGCTTGGTGCTACGGCCGAGAAGGCGGCTGCGGTTGGTACTGCTAATAAATC-3'
Protein context (NP_054706.1, residues 626-646): FDERAANFEN[His636Arg]SGKLGATAEK